The following is an entry in ClinVar:

ClinVar aggregate classification (germline): Likely benign (1 of 4 stars; one submission).

Conditions:
Glomuvenous malformation. Also called: GLOMANGIOMAS, MULTIPLE; GLOMUS TUMORS, MULTIPLE; VENOUS MALFORMATIONS WITH GLOMUS CELLS; Familial glomangioma. Identifiers: Orphanet 83454, MedGen C1841984, MONDO:0007672, OMIM 138000.

Allele frequency attached by ClinVar (database versions not stated): ExAC 0.00003; gnomAD 0.00003; TOPMed 0.00003; gnomAD exomes 0.00004.
gnomAD v4.1: 34 of 1,413,724 alleles (0.0024%); highest among the groups gnomAD compares: Non-Finnish European, 0.0011%; no homozygotes.

Submission:

Illumina Laboratory Services, Illumina
Classification: Likely benign for Glomuvenous malformation. Last evaluated: 2018-01-13. Review status: criteria provided, single submitter. Criteria: ICSL Variant Classification Criteria 13 December 2019. Collection method: clinical testing. Allele origin: germline.
Comment: This variant was observed in the ICSL laboratory as part of a predisposition screen in an ostensibly healthy population. It had not been previously curated by ICSL or reported in the Human Gene Mutation Database (HGMD: prior to June 1st, 2018), and was therefore a candidate for classification through an automated scoring system. Utilizing variant allele frequency, disease prevalence and penetrance estimates, and inheritance mode, an automated score was calculated to assess if this variant is too frequent to cause the disease. Based on the score and internal cut-off values, a variant classified as likely benign is not then subjected to further curation. The score for this variant resulted in a classification of likely benign for this disease.

NM_053274.3(GLMN):c.1215-9G>T

Gene: GLMN (glomulin, FKBP associated protein; minus strand). Cytogenetic location: 1p22.1.
Variant type: single nucleotide variant.
Coding change: c.1215-9G>T on transcript NM_053274.3 (MANE Select); 9 bases into the intron before coding-DNA position 1215, G replaced by T.
Molecular consequence: intron variant.
Genome position (GRCh38, 1-based): chr1:92,264,647, C>A on the plus strand (G>T on the coding strand, the complement: GLMN is on the minus strand). VCF-style: chr1-92264647-C-A. GRCh37 (hg19) VCF-style: chr1-92730204-C-A.
Other names: c.1173-9G>T (NM_001319683.2).
Identifiers: ClinVar variation 298130 (VCV000298130.5), dbSNP rs774161019, ClinGen allele CA950313.